The following is an entry in ClinVar:

ClinVar aggregate classification (germline): Pathogenic (1 of 4 stars; one submission).

Conditions:
Tuberous sclerosis 1 (TSC1). Identifiers: Orphanet 805, MedGen C1854465, MONDO:0008612, OMIM 191100.

Submission:

Labcorp Genetics (formerly Invitae), Labcorp
Classification: Pathogenic for Tuberous sclerosis 1. Last evaluated: 2023-12-16. Review status: criteria provided, single submitter. Criteria: Invitae Variant Classification Sherloc (09022015). Collection method: clinical testing. Allele origin: germline.
Comment: This sequence change creates a premature translational stop signal (p.Val172Cysfs*46) in the TSC1 gene. It is expected to result in an absent or disrupted protein product. Loss-of-function variants in TSC1 are known to be pathogenic (PMID: 10227394, 17304050). This variant is not present in population databases (gnomAD no frequency). This variant has not been reported in the literature in individuals affected with TSC1-related conditions. For these reasons, this variant has been classified as Pathogenic.

Literature cited by the submitters: PubMed 10227394; PubMed 17304050.

NM_000368.5(TSC1):c.513_514insT (p.Val172fs)

Gene: TSC1 (TSC complex subunit 1; minus strand). Cytogenetic location: 9q34.13.
Variant type: Insertion.
Coding change: c.513_514insT on transcript NM_000368.5 (MANE Select); coding-DNA positions 513 to 514, T inserted.
Protein change: p.Val172fs; shifts the reading frame from valine 172.
Molecular consequence: frameshift variant. On other transcripts: 5 prime UTR variant (5), non-coding transcript variant (5).
Genome position: GRCh38 VCF-style: chr9-132921968-C-CA. GRCh37 (hg19) VCF-style: chr9-135797355-C-CA.
Other names: c.513_514insT, p.Val172fs (NM_001162426.2, NM_001406592.1, NM_001406593.1 and 16 more transcripts); c.360_361insT, p.Val121fs (NM_001162427.2, NM_001406613.1, NM_001406610.1 and 2 more transcripts); c.150_151insT, p.Val51fs (NM_001362177.2, NM_001406614.1, NM_001406615.1 and 10 more transcripts); c.-365_-364insT (NM_001406626.1, NM_001406627.1, NM_001406628.1); c.-507_-506insT (NM_001406629.1); c.-581_-580insT (NM_001406630.1); short protein forms V51fs, V121fs, V172fs.
Identifiers: ClinVar variation 2703512 (VCV002703512.3), dbSNP rs2539017529, ClinGen allele CA2697558120.